The following is an entry in ClinVar:

ClinVar aggregate classification (germline): Pathogenic (1 of 4 stars; one submission).

Conditions:
Usher syndrome type 1F (USH1F). Also called: USHER SYNDROME, TYPE IF. Identifiers: Orphanet 231169, Orphanet 886, MedGen C1865885, MONDO:0011186, OMIM 602083.

gnomAD v4.1: 1 of 1,614,092 alleles (0.000062%); highest among the groups gnomAD compares: Non-Finnish European, 0.000085%; no homozygotes.

Submission:

Myriad Genetics, Inc.
Classification: Pathogenic for Usher syndrome type 1F. Last evaluated: 2026-02-27. Review status: criteria provided, single submitter. Criteria: Myriad Autosomal Dominant, Autosomal Recessive and X-Linked Classification Criteria (2023). Collection method: clinical testing. Allele origin: unknown.
Comment: NM_033056.3(PCDH15):c.1852C>T(Q618*) is a nonsense variant classified as pathogenic in the context of PCDH15-related disorders. Q618* has not been observed in cases with relevant disease. Relevant functional assessments of this variant are not available in the literature. Q618* has not been observed in referenced population frequency databases. In summary, NM_033056.3(PCDH15):c.1852C>T(Q618*) is a nonsense variant in a gene where loss of function is a known mechanism of disease and is predicted to disrupt protein function. Please note: this variant was assessed in the context of healthy population screening.

NM_001384140.1(PCDH15):c.1852C>T (p.Gln618Ter)

Gene: PCDH15 (protocadherin related 15; minus strand). Cytogenetic location: 10q21.1.
Variant type: single nucleotide variant.
Coding change: c.1852C>T on transcript NM_001384140.1 (MANE Select); coding-DNA position 1852, C replaced by T.
Protein change: p.Gln618Ter; replaces glutamine 618 with a stop codon.
Molecular consequence: nonsense. On other transcripts: intron variant (1).
Genome position (GRCh38, 1-based): chr10:54,132,940, G>A on the plus strand (C>T on the coding strand, the complement: PCDH15 is on the minus strand). VCF-style: chr10-54132940-G-A. GRCh37 (hg19) VCF-style: chr10-55892700-G-A.
Other names: c.1867C>T, p.Gln623Ter (NM_001142763.2, NM_001142771.2); c.1852C>T, p.Gln618Ter (NM_001142764.2, NM_001142766.2, NM_001142770.3 and 5 more transcripts); c.1741C>T, p.Gln581Ter (NM_001142767.2); c.1786C>T, p.Gln596Ter (NM_001142768.2, NM_001142773.2, NM_001354404.2); c.1888C>T, p.Gln630Ter (NM_001142769.4); c.1873C>T, p.Gln625Ter (NM_001354411.2); c.1784+20160C>T (NM_001142765.2); short protein forms Q625*, Q630*, Q581*, Q596*, Q618*, Q623*.
Identifiers: ClinVar variation 5003466 (VCV005003466.1).